The following is an entry in ClinVar:

ClinVar aggregate classification (germline): Uncertain significance (1 of 4 stars; one submission).

Conditions:
Familial thoracic aortic aneurysm and aortic dissection (TAAD). Also called: Thoracic aortic aneurysms and dissections. Identifiers: Orphanet 91387, MedGen C4707243, MONDO:0019625.

Submission:

Color Diagnostics, LLC DBA Color Health
Classification: Uncertain significance for Familial thoracic aortic aneurysm and aortic dissection. Last evaluated: 2025-09-23. Review status: criteria provided, single submitter. Criteria: ACMG Guidelines, 2015. Collection method: clinical testing. Allele origin: germline.
Comment: This variant changes 1 nucleotide in exon 23 of the MYH11 gene, creating a premature translation stop signal. This variant is expected to result in an absent or non-functional protein product. To our knowledge, this variant has not been reported in individuals affected with MYH11-related disorders in the literature. This variant has not been identified in the general population by the Genome Aggregation Database (gnomAD). The role of loss-of-function MYH11 truncation variants in autosomal dominant cardiovascular disorders is not clearly understood. The available evidence is insufficient to determine the role of this variant in disease conclusively. Therefore, this variant is classified as a Variant of Uncertain Significance.

NM_002474.3(MYH11):c.2818C>T (p.Gln940Ter)

Gene: MYH11 (myosin heavy chain 11; minus strand). Cytogenetic location: 16p13.11.
Variant type: single nucleotide variant.
Coding change: c.2818C>T on transcript NM_002474.3 (MANE Select); coding-DNA position 2818, C replaced by T.
Protein change: p.Gln940Ter; replaces glutamine 940 with a stop codon.
Molecular consequence: nonsense.
Genome position (GRCh38, 1-based): chr16:15,741,504, G>A on the plus strand (C>T on the coding strand, the complement: MYH11 is on the minus strand). VCF-style: chr16-15741504-G-A. GRCh37 (hg19) VCF-style: chr16-15835361-G-A.
Other names: c.2839C>T, p.Gln947Ter (NM_001040113.2, NM_001040114.2); c.2818C>T, p.Gln940Ter (NM_022844.3); short protein forms Q940*, Q947*.
Identifiers: ClinVar variation 4756425 (VCV004756425.1).